The following is an entry in ClinVar:

ClinVar aggregate classification (germline): Likely benign (1 of 4 stars; one submission).

Submission:

CeGaT Center for Human Genetics Tuebingen
Classification: Likely benign. Last evaluated: 2024-03-01. Review status: criteria provided, single submitter. Criteria: CeGaT Center For Human Genetics Tuebingen Variant Classification Criteria Version 2. Collection method: clinical testing. Allele origin: germline. Affected: yes. Observed: 1 variant allele.
Comment: SUN2: PM2:Supporting, BP4, BP7

NM_015374.3(SUN2):c.1527C>T (p.Ala509=)

Genes: GTPBP1 (GTP binding protein 1; plus strand), SUN2 (Sad1 and UNC84 domain containing 2; minus strand). Cytogenetic location: 22q13.1.
Variant type: single nucleotide variant.
Coding change: c.1527C>T on transcript NM_015374.3 (MANE Select); coding-DNA position 1527, C replaced by T.
Protein change: p.Ala509=; no amino-acid change (alanine 509 retained).
Molecular consequence: synonymous variant.
Genome position (GRCh38, 1-based): chr22:38,739,773, G>A on the plus strand (C>T on the coding strand, the complement: SUN2 is on the minus strand). VCF-style: chr22-38739773-G-A. GRCh37 (hg19) VCF-style: chr22-39135778-G-A.
Other names: c.1590C>T, p.Ala530= (NM_001199579.2, NM_001394428.1); c.1527C>T, p.Ala509= (NM_001199580.2, NM_001394431.1, NM_001394432.1 and 5 more transcripts); c.1620C>T, p.Ala540= (NM_001394427.1); c.1572C>T, p.Ala524= (NM_001394429.1, NM_001394430.1); c.1437C>T, p.Ala479= (NM_001394438.1); c.1389C>T, p.Ala463= (NM_001394439.1, NM_001394440.1, NM_001394441.1); c.1128C>T, p.Ala376= (NM_001394442.1); c.1035C>T, p.Ala345= (NM_001394443.1); and 1 more.
Identifiers: ClinVar variation 3234329 (VCV003234329.20), dbSNP rs2517978866, ClinGen allele CA514580725.